The following is an entry in ClinVar:

NM_000245.4(MET):c.3532G>A (p.Val1178Ile)

Gene: MET (MET proto-oncogene, receptor tyrosine kinase; plus strand). Cytogenetic location: 7q31.2.
Variant type: single nucleotide variant.
Coding change: c.3532G>A on transcript NM_000245.4 (MANE Select); coding-DNA position 3532, G replaced by A.
Protein change: p.Val1178Ile; replaces valine 1178 with isoleucine.
Molecular consequence: missense variant.
Genome position (GRCh38, 1-based): chr7:116,781,997, G>A. VCF-style: chr7-116781997-G-A. GRCh37 (hg19) VCF-style: chr7-116422051-G-A.
Other names: c.3586G>A (LRG_662t1); c.3586G>A, p.Val1196Ile (NM_001127500.3); c.2242G>A, p.Val748Ile (NM_001324402.2); short protein forms V1178I, V1196I, V748I.
Identifiers: ClinVar variation 657839 (VCV000657839.11), dbSNP rs1584964221, ClinGen allele CA368990894.

ClinVar aggregate classification (germline): Uncertain significance. Review status: criteria provided, multiple submitters, no conflicts (2 of 4 stars). 2 submissions from 2 submitters: Uncertain significance (2). Last evaluated 2023-07-10.

Conditions:
Renal cell carcinoma. Identifiers: Orphanet 217071, MedGen C0007134, MeSH D002292, MONDO:0005086, HP:0005584.
Hereditary cancer-predisposing syndrome. Also called: Hereditary neoplastic syndrome; Neoplastic Syndromes, Hereditary; Hereditary Cancer Syndrome; Tumor predisposition. Identifiers: Orphanet 140162, MedGen C0027672, MeSH D009386, MONDO:0015356.

Submissions (2):

Ambry Genetics
Classification: Uncertain significance for Hereditary cancer-predisposing syndrome. Last evaluated: 2023-07-10. Review status: criteria provided, single submitter. Criteria: Ambry Variant Classification Scheme 2023. Collection method: clinical testing. Allele origin: germline.
Comment: The p.V1196I variant (also known as c.3586G>A), located in coding exon 17 of the MET gene, results from a G to A substitution at nucleotide position 3586. The valine at codon 1196 is replaced by isoleucine, an amino acid with highly similar properties. This amino acid position is highly conserved in available vertebrate species. In addition, the in silico prediction for this alteration is inconclusive. Since supporting evidence is limited at this time, the clinical significance of this alteration remains unclear.

Labcorp Genetics (formerly Invitae), Labcorp
Classification: Uncertain significance for Renal cell carcinoma. Last evaluated: 2018-10-14. Review status: criteria provided, single submitter. Criteria: Invitae Variant Classification Sherloc (09022015). Collection method: clinical testing. Allele origin: germline.
Comment: In summary, the available evidence is currently insufficient to determine the role of this variant in disease. Therefore, it has been classified as a Variant of Uncertain Significance. Algorithms developed to predict the effect of missense changes on protein structure and function (SIFT, PolyPhen-2, Align-GVGD) all suggest that this variant is likely to be disruptive, but these predictions have not been confirmed by published functional studies and their clinical significance is uncertain. This variant has not been reported in the literature in individuals with MET-related disease. This variant is not present in population databases (ExAC no frequency). This sequence change replaces valine with isoleucine at codon 1196 of the MET protein (p.Val1196Ile). The valine residue is highly conserved and there is a small physicochemical difference between valine and isoleucine.